The following is an entry in ClinVar:

NM_014927.5(CNKSR2):c.1902dup (p.Tyr635fs)

Gene: CNKSR2 (connector enhancer of kinase suppressor of Ras 2; plus strand). Cytogenetic location: Xp22.12.
Variant type: Duplication.
Coding change: c.1902dup on transcript NM_014927.5 (MANE Select); coding-DNA position 1902, one base duplicated (A; older notation c.1902dupA).
Protein change: p.Tyr635fs; shifts the reading frame from tyrosine 635.
Molecular consequence: frameshift variant.
Genome position (GRCh38, 1-based): chrX:21,595,045, A duplicated; the last of 6 consecutive A bases (chrX:21,595,040-21,595,045); duplicating any one gives the same sequence. VCF-style (leftmost placement, unchanged base first): chrX-21595039-C-CA. GRCh37 (hg19) VCF-style: chrX-21613157-C-CA.
Other names: c.1812dup, p.Tyr605fs (NM_001168647.3, NM_001330773.2); c.1902dup, p.Tyr635fs (NM_001168648.3); c.1755dup, p.Tyr586fs (NM_001168649.3, NM_001330770.2); c.1665dup, p.Tyr556fs (NM_001330771.2, NM_001330772.2); short protein forms Y556fs, Y586fs, Y605fs, Y635fs.
Identifiers: ClinVar variation 1810182 (VCV001810182.2), dbSNP rs2519317743, ClinGen allele CA645601267.
Genomic context (GRCh38, chrX:21,595,039, plus strand): 5'-AAAAGCAGAAGGATTCATTAGCCTGCCTGAATTTAAAATTGATAGAGCCAGTGAATGCCG[C>CA]AAAAAATAGTAAGTTGATTTTATTTGGGAAGAGGGAACGATAGTTTTTTTTTTTAATTTC-3'

ClinVar aggregate classification (germline): Pathogenic (1 of 4 stars; one submission).

Submission:

GeneDx
Classification: Pathogenic. Last evaluated: 2025-04-10. Review status: criteria provided, single submitter. Criteria: GeneDx Variant Classification Process June 2021. Collection method: clinical testing. Allele origin: germline. Affected: yes.
Comment: Frameshift variant predicted to result in protein truncation or nonsense mediated decay in a gene for which loss of function is a known mechanism of disease; Not observed at significant frequency in large population cohorts (gnomAD); Has not been previously published as pathogenic or benign to our knowledge